The following is an entry in ClinVar:

ClinVar aggregate classification (germline): Uncertain significance (1 of 4 stars; one submission).

gnomAD v4.1: 5 of 1,613,562 alleles (0.00031%); highest among the groups gnomAD compares: Admixed American, 0.0083%; no homozygotes.

Submission:

Labcorp Genetics (formerly Invitae), Labcorp
Classification: Uncertain significance. Last evaluated: 2024-06-23. Review status: criteria provided, single submitter. Criteria: Invitae Variant Classification Sherloc (09022015). Collection method: clinical testing. Allele origin: germline.
Comment: This sequence change falls in intron 4 of the EPB41 gene. It does not directly change the encoded amino acid sequence of the EPB41 protein. It affects a nucleotide within the consensus splice site. This variant is present in population databases (rs759585466, gnomAD 0.02%). This variant has not been reported in the literature in individuals affected with EPB41-related conditions. Variants that disrupt the consensus splice site are a relatively common cause of aberrant splicing (PMID: 17576681, 9536098). Algorithms developed to predict the effect of sequence changes on RNA splicing suggest that this variant is not likely to affect RNA splicing. In summary, the available evidence is currently insufficient to determine the role of this variant in disease. Therefore, it has been classified as a Variant of Uncertain Significance.

Literature cited by the submitters: PubMed 17576681; PubMed 9536098.

NM_001376013.1(EPB41):c.681+3G>A

Gene: EPB41 (erythrocyte membrane protein band 4.1; plus strand). Cytogenetic location: 1p35.3.
Variant type: single nucleotide variant.
Coding change: c.681+3G>A on transcript NM_001376013.1 (MANE Select); 3 bases into the intron after coding-DNA position 681, G replaced by A.
Molecular consequence: intron variant.
Genome position (GRCh38, 1-based): chr1:28,993,545, G>A. VCF-style: chr1-28993545-G-A. GRCh37 (hg19) VCF-style: chr1-29320057-G-A.
Other names: c.54+3G>A (NM_203342.3, NM_004437.4, NM_001376022.1 and 7 more transcripts); c.681+3G>A (NM_001166005.2, NM_203343.3, NM_001376014.1 and 8 more transcripts).
Identifiers: ClinVar variation 3613058 (VCV003613058.2).
Genomic context (GRCh38, chr1:28,993,545, plus strand): 5'-GAACATGCACTGCAAGGTTTCTTTGTTGGATGACACAGTTTATGAATGTGTTGTGGAGGT[G>A]AGTATGTTTTCATTTCCAACAATCAGAACTCTTACAGGTGGTTTCATCTAGAGTTGCGTA-3'